The following is an entry in ClinVar:

NM_004369.4(COL6A3):c.7311C>G (p.Ser2437Arg)

Gene: COL6A3 (collagen type VI alpha 3 chain; minus strand). Cytogenetic location: 2q37.3.
Variant type: single nucleotide variant.
Coding change: c.7311C>G on transcript NM_004369.4 (MANE Select); coding-DNA position 7311, C replaced by G.
Protein change: p.Ser2437Arg; replaces serine 2437 with arginine.
Molecular consequence: missense variant.
Genome position (GRCh38, 1-based): chr2:237,344,707, G>C on the plus strand (C>G on the coding strand, the complement: COL6A3 is on the minus strand). VCF-style: chr2-237344707-G-C. GRCh37 (hg19) VCF-style: chr2-238253350-G-C.
Other names: c.5490C>G, p.Ser1830Arg (NM_057166.5); c.6693C>G, p.Ser2231Arg (NM_057167.4); short protein forms S2437R, S2231R, S1830R.
Identifiers: ClinVar variation 542958 (VCV000542958.9), dbSNP rs781087176, ClinGen allele CA2187833.

ClinVar aggregate classification (germline): Uncertain significance (1 of 4 stars; one submission).

Conditions:
Bethlem myopathy 1A. Also called: MYOPATHY, BENIGN CONGENITAL, WITH CONTRACTURES; Bethlem Muscular Dystrophy; Bethlem myopathy 1. Identifiers: Orphanet 610, MedGen CN029274, MONDO:0024530, OMIM 158810.

Allele frequency attached by ClinVar (database versions not stated): gnomAD exomes below 0.00001 and 0.00001; ExAC 0.00001; gnomAD 0.00001; TOPMed 0.00001.
gnomAD v4.1: 3 of 1,607,878 alleles (0.00019%); highest among the groups gnomAD compares: Non-Finnish European, 0.00025%; no homozygotes.

Submission:

Labcorp Genetics (formerly Invitae), Labcorp
Classification: Uncertain significance for Bethlem myopathy 1A. Last evaluated: 2017-09-16. Review status: criteria provided, single submitter. Criteria: Invitae Variant Classification Sherloc (09022015). Collection method: clinical testing. Allele origin: germline.
Comment: In summary, the available evidence is currently insufficient to determine the role of this variant in disease. Therefore, it has been classified as a Variant of Uncertain Significance. Algorithms developed to predict the effect of missense changes on protein structure and function do not agree on the potential impact of this missense change (SIFT: "Deleterious"; PolyPhen-2: "Probably Damaging"; Align-GVGD: "Class C0"). This variant has not been reported in the literature in individuals with COL6A3-related disease. This variant is present in population databases (rs781087176, ExAC 0.002%). This sequence change replaces serine with arginine at codon 2437 of the COL6A3 protein (p.Ser2437Arg). The serine residue is highly conserved and there is a moderate physicochemical difference between serine and arginine.